The following is an entry in ClinVar:

ClinVar aggregate classification (germline): Uncertain significance (1 of 4 stars; one submission).

Allele frequency attached by ClinVar (database versions not stated): TOPMed below 0.00001; ExAC 0.00001; gnomAD 0.00001; gnomAD exomes 0.00002.

Submission:

Labcorp Genetics (formerly Invitae), Labcorp
Classification: Uncertain significance. Last evaluated: 2022-10-13. Review status: criteria provided, single submitter. Criteria: Invitae Variant Classification Sherloc (09022015). Collection method: clinical testing. Allele origin: germline.
Comment: Advanced modeling of protein sequence and biophysical properties (such as structural, functional, and spatial information, amino acid conservation, physicochemical variation, residue mobility, and thermodynamic stability) performed at Invitae indicates that this missense variant is not expected to disrupt CNGA3 protein function. In summary, the available evidence is currently insufficient to determine the role of this variant in disease. Therefore, it has been classified as a Variant of Uncertain Significance. This variant has not been reported in the literature in individuals affected with CNGA3-related conditions. This variant is present in population databases (rs200590680, gnomAD 0.0009%). This sequence change replaces isoleucine, which is neutral and non-polar, with threonine, which is neutral and polar, at codon 70 of the CNGA3 protein (p.Ile70Thr).

NM_001298.3(CNGA3):c.209T>C (p.Ile70Thr)

Gene: CNGA3 (cyclic nucleotide gated channel subunit alpha 3; plus strand). Cytogenetic location: 2q11.2.
Variant type: single nucleotide variant.
Coding change: c.209T>C on transcript NM_001298.3 (MANE Select); coding-DNA position 209, T replaced by C.
Protein change: p.Ile70Thr; replaces isoleucine 70 with threonine.
Molecular consequence: missense variant.
Genome position (GRCh38, 1-based): chr2:98,377,794, T>C. VCF-style: chr2-98377794-T-C. GRCh37 (hg19) VCF-style: chr2-98994257-T-C.
Other names: c.209T>C, p.Ile70Thr (NM_001079878.2); short protein forms I70T.
Identifiers: ClinVar variation 1907690 (VCV001907690.4), dbSNP rs200590680, ClinGen allele CA1793610.